The following is an entry in ClinVar:

ClinVar aggregate classification (germline): Pathogenic. Review status: reviewed by expert panel (3 of 4 stars). 2 submissions from 2 submitters: Pathogenic (1). 1 of the submissions does not count toward it. Last evaluated 2025-10-09.

Conditions:
Autosomal recessive limb-girdle muscular dystrophy. Identifiers: Orphanet 102015, MedGen C2931907, MONDO:0015152.
Autosomal recessive limb-girdle muscular dystrophy type 2A (LGMDR1). Also called: Muscular dystrophy, limb-girdle, type 2A, Amish; Limb-girdle muscular dystrophy, type 2A; Calpainopathy; LEYDEN-MOEBIUS MUSCULAR DYSTROPHY; MUSCULAR DYSTROPHY, PELVOFEMORAL. Identifiers: Orphanet 267, MedGen C1869123, MONDO:0009675, OMIM 253600. Disease mechanism: loss of function.

Submissions (2):

ClinGen Limb Girdle Muscular Dystrophy Variant Curation Expert Panel, ClinGen
Classification: Pathogenic for Autosomal recessive limb-girdle muscular dystrophy. Last evaluated: 2025-10-09. Review status: reviewed by expert panel. Criteria: ClinGen LGMD VCEP ACMG Specifications CAPN3 V2.0.0. Collection method: curation. Allele origin: germline. Inheritance: Autosomal recessive inheritance.
Comment: The NM_000070.3: c.1194-2A>G variant in CAPN3 occurs within the canonical splice acceptor site of intron 9. This variant is predicted to abolish the consensus splice acceptor site, with a SpliceAI score of 0.99, and strengthen two alternative acceptor sites in exon 10 at +13 and +37 (SpliceAI score 0.66 and 0.36). Skipping of exon 10, which is out of frame, would be expected to disrupt the reading frame, leading to nonsense mediated RNA decay in a gene in which loss of function is an established mechanism of disease. Use of either of the alternative acceptor sites would also be expected to disrupt the reading frame (PVS1). This variant has been detected in one individual with features consistent with LGMD, where it was confirmed in trans with a pathogenic variant (c.1524G>A p.(Glu508=), 1.0 pt, ClinVar SCV001423801.2 internal data communication; PM3). This individual had a clinical diagnosis of muscular dystrophy and absent calpain-3 protein expression in skeletal muscle, which is highly specific for CAPN3-related LGMD (PP4_Strong). This variant is not found in gnomAD v4.1.0 (PM2_Supporting). In summary, this variant meets the criteria to be classified as Pathogenic for autosomal recessive limb girdle muscular dystrophy based on the ACMG/AMP criteria applied, as specified by the ClinGen LGMD VCEP (LGMD VCEP specifications version 2.0.0; 10/09/2025): PVS1, PM3, PP4_Strong, PS2_Supporting, PM2_Supporting.

Illumina Laboratory Services, Illumina
Classification: Pathogenic for Limb-girdle muscular dystrophy, type 2A. Last evaluated: 2020-03-24. Review status: criteria provided, single submitter. Criteria: ICSLVariantClassificationCriteria RUGD 01 April 2020. Collection method: clinical testing. Allele origin: unknown. Not counted in ClinVar's aggregate classification.
Comment: The CAPN3 c.1194-2A>G variant occurs at a canonical splice site (acceptor) and is therefore predicted to disrupt or distort the normal gene product. A literature search was performed for the gene and cDNA change. No publications were found based on this search. This variant is not found in the Genome Aggregation Database in a region of good sequence coverage, so the variant is presumed to be rare. Based on the predicted disruptive nature of the variant, its rarity, and identification in a de novo state, the c.1194-2A>G variant is classified as pathogenic for calpainopathy.

NM_000070.3(CAPN3):c.1194-2A>G

Gene: CAPN3 (calpain 3; plus strand). Cytogenetic location: 15q15.1.
Variant type: single nucleotide variant.
Coding change: c.1194-2A>G on transcript NM_000070.3 (MANE Select); the canonical splice acceptor site of the intron before coding-DNA position 1194, A replaced by G.
Molecular consequence: splice acceptor variant.
Genome position (GRCh38, 1-based): chr15:42,399,490, A>G. VCF-style: chr15-42399490-A-G. GRCh37 (hg19) VCF-style: chr15-42691688-A-G.
Other names: c.1194-2A>G (NM_024344.2); c.1050-2A>G (NM_173087.2).
Identifiers: ClinVar variation 973317 (VCV000973317.4), dbSNP rs2053804014, ClinGen allele CA391999297.